The following is an entry in ClinVar:

NM_001042472.3(ABHD12):c.1138G>T (p.Glu380Ter)

Gene: ABHD12 (abhydrolase domain containing 12, lysophospholipase; minus strand). Cytogenetic location: 20p11.21.
Variant type: single nucleotide variant.
Coding change: c.1138G>T on transcript NM_001042472.3 (MANE Select); coding-DNA position 1138, G replaced by T.
Protein change: p.Glu380Ter; replaces glutamic acid 380 with a stop codon.
Molecular consequence: nonsense.
Genome position (GRCh38, 1-based): chr20:25,302,238, C>A on the plus strand (G>T on the coding strand, the complement: ABHD12 is on the minus strand). VCF-style: chr20-25302238-C-A. GRCh37 (hg19) VCF-style: chr20-25282874-C-A.
Other names: c.1138G>T, p.Glu380Ter (NM_015600.5); short protein forms E380*.
Identifiers: ClinVar variation 1524584 (VCV001524584.7), dbSNP rs147060658, ClinGen allele CA9795819.

ClinVar aggregate classification (germline): Uncertain significance. Review status: criteria provided, multiple submitters, no conflicts (2 of 4 stars). 2 submissions from 2 submitters: Uncertain significance (2). Last evaluated 2022-06-20.

Allele frequency attached by ClinVar (database versions not stated): gnomAD exomes below 0.00001 and 0.00001; ExAC 0.00001; gnomAD 0.00001 and 0.00002; TOPMed 0.00002; ESP Exome Variant Server 0.00008; 1000 Genomes Project 30x 0.00016; 1000 Genomes Project 0.00020.
gnomAD v4.1: 4 of 1,613,530 alleles (0.00025%); highest among the groups gnomAD compares: African/African-American, 0.0053%; no homozygotes.

Submissions (2):

Labcorp Genetics (formerly Invitae), Labcorp
Classification: Uncertain significance. Last evaluated: 2022-06-20. Review status: criteria provided, single submitter. Criteria: Invitae Variant Classification Sherloc (09022015). Collection method: clinical testing. Allele origin: germline.
Comment: In summary, the available evidence is currently insufficient to determine the role of this variant in disease. Therefore, it has been classified as a Variant of Uncertain Significance. Algorithms developed to predict the effect of sequence changes on RNA splicing suggest that this variant may disrupt the consensus splice site. Experimental studies and prediction algorithms are not available or were not evaluated, and the functional significance of this variant is currently unknown. This variant has not been reported in the literature in individuals affected with ABHD12-related conditions. This variant is present in population databases (rs147060658, gnomAD 0.01%). This sequence change creates a premature translational stop signal (p.Glu380*) in the ABHD12 gene. While this is not anticipated to result in nonsense mediated decay, it is expected to disrupt the last 19 amino acid(s) of the ABHD12 protein.

Blueprint Genetics
Classification: Uncertain significance. Last evaluated: 2019-10-23. Review status: criteria provided, single submitter. Criteria: ACMG Guidelines, 2015. Collection method: clinical testing. Allele origin: germline.